The following is an entry in ClinVar:

ClinVar aggregate classification (germline): Benign/Likely benign. Review status: criteria provided, multiple submitters, no conflicts (2 of 4 stars). 5 submissions from 5 submitters: Benign (1); Likely benign (4). Last evaluated 2026-01-19.

Conditions:
Hereditary cancer-predisposing syndrome. Also called: Hereditary neoplastic syndrome; Neoplastic Syndromes, Hereditary; Tumor predisposition; Hereditary Cancer Syndrome. Identifiers: Orphanet 140162, MedGen C0027672, MeSH D009386, MONDO:0015356.
Familial adenomatous polyposis 1 (FAP1). Also called: POLYPOSIS, ADENOMATOUS INTESTINAL; FAMILIAL ADENOMATOUS POLYPOSIS 1, ATTENUATED. Identifiers: MedGen C2713442, MONDO:0021056, OMIM 175100. Disease mechanism: loss of function.

Allele frequency attached by ClinVar (database versions not stated): TOPMed below 0.00001; gnomAD 0.00001; gnomAD exomes 0.00001.

Submissions (5):

Labcorp Genetics (formerly Invitae), Labcorp
Classification: Likely benign for Familial adenomatous polyposis 1. Last evaluated: 2026-01-19. Review status: criteria provided, single submitter. Criteria: Invitae Variant Classification Sherloc (09022015). Collection method: clinical testing. Allele origin: germline.

Center for Genomic Medicine, Rigshospitalet, Copenhagen University Hospital
Classification: Likely benign. Last evaluated: 2025-12-29. Review status: criteria provided, single submitter. Criteria: ACMG Guidelines, 2015. Collection method: clinical testing. Allele origin: germline.
Comment: Classification criteria: BP4, BP7

Myriad Genetics, Inc.
Classification: Benign for Familial adenomatous polyposis 1. Last evaluated: 2024-03-27. Review status: criteria provided, single submitter. Criteria: Myriad Autosomal Dominant, Autosomal Recessive and X-Linked Classification Criteria (2023). Collection method: clinical testing. Allele origin: unknown.
Comment: This variant is considered benign. This variant is a silent/synonymous amino acid change and it is not expected to impact splicing.

Color Diagnostics, LLC DBA Color Health
Classification: Likely benign for Hereditary cancer-predisposing syndrome. Last evaluated: 2023-06-26. Review status: criteria provided, single submitter. Criteria: ACMG Guidelines, 2015. Collection method: clinical testing. Allele origin: germline.

Ambry Genetics
Classification: Likely benign for Hereditary cancer-predisposing syndrome. Last evaluated: 2022-08-23. Review status: criteria provided, single submitter. Criteria: Ambry Variant Classification Scheme 2023. Collection method: clinical testing. Allele origin: germline.

NM_000038.6(APC):c.4464A>G (p.Leu1488=)

Gene: APC (APC regulator of Wnt signaling pathway; plus strand). Cytogenetic location: 5q22.2.
Variant type: single nucleotide variant.
Coding change: c.4464A>G on transcript NM_000038.6 (MANE Select); coding-DNA position 4464, A replaced by G.
Protein change: p.Leu1488=; no amino-acid change (leucine 1488 retained).
Molecular consequence: synonymous variant.
Genome position (GRCh38, 1-based): chr5:112,840,058, A>G. VCF-style: chr5-112840058-A-G. GRCh37 (hg19) VCF-style: chr5-112175755-A-G.
Other names: c.4464A>G, p.Leu1488= (NM_001127510.3, NM_001354895.2); c.4410A>G, p.Leu1470= (NM_001127511.3); c.4518A>G, p.Leu1506= (NM_001354896.2); c.4494A>G, p.Leu1498= (NM_001354897.2); c.4389A>G, p.Leu1463= (NM_001354898.2); c.4380A>G, p.Leu1460= (NM_001354899.2); c.4341A>G, p.Leu1447= (NM_001354900.2); c.4287A>G, p.Leu1429= (NM_001354901.2); and 5 more.
Identifiers: ClinVar variation 469965 (VCV000469965.15), dbSNP rs1312207257, ClinGen allele CA446206505.